The following is an entry in ClinVar:

NM_000022.4(ADA):c.179A>G (p.Asp60Gly)

Genes: ADA (adenosine deaminase; minus strand), LOC107303343 (adenosine deaminase intronic regulatory elements; plus strand). Cytogenetic location: 20q13.12.
Variant type: single nucleotide variant.
Coding change: c.179A>G on transcript NM_000022.4 (MANE Select); coding-DNA position 179, A replaced by G.
Protein change: p.Asp60Gly; replaces aspartic acid 60 with glycine.
Molecular consequence: missense variant. On other transcripts: 5 prime UTR variant (1), non-coding transcript variant (1).
Genome position (GRCh38, 1-based): chr20:44,629,086, T>C on the plus strand (A>G on the coding strand, the complement: ADA is on the minus strand). VCF-style: chr20-44629086-T-C. GRCh37 (hg19) VCF-style: chr20-43257727-T-C.
Other names: c.-111A>G (NM_001322050.2); c.179A>G, p.Asp60Gly (NM_001322051.2); short protein forms D60G.
Identifiers: ClinVar variation 1308808 (VCV001308808.3), dbSNP rs760262095, ClinGen allele CA9871746.

ClinVar aggregate classification (germline): Uncertain significance. Review status: criteria provided, multiple submitters, no conflicts (2 of 4 stars). 2 submissions from 2 submitters: Uncertain significance (2). Last evaluated 2022-02-01.

Conditions:
Severe combined immunodeficiency, autosomal recessive, T cell-negative, B cell-negative, NK cell-negative, due to adenosine deaminase deficiency. Also called: Adenosine Deaminase Deficiency; ADA-SCID; SCID DUE TO ADA DEFICIENCY; SCID DUE TO ADA DEFICIENCY, EARLY-ONSET; ADA deficiency; Adenosine deaminase deficient severe combined immunodeficiency. Identifiers: Orphanet 277, MedGen C0392607, MONDO:0007064, OMIM 102700.

Allele frequency attached by ClinVar (database versions not stated): ExAC 0.00002; TOPMed 0.00003; gnomAD 0.00004.
gnomAD v4.1: 32 of 1,614,058 alleles (0.002%); highest among the groups gnomAD compares: Non-Finnish European, 0.0026%; no homozygotes.

Submissions (2):

Labcorp Genetics (formerly Invitae), Labcorp
Classification: Uncertain significance for Severe combined immunodeficiency, autosomal recessive, T cell-negative, B cell-negative, NK cell-negative, due to adenosine deaminase deficiency. Last evaluated: 2022-02-01. Review status: criteria provided, single submitter. Criteria: Invitae Variant Classification Sherloc (09022015). Collection method: clinical testing. Allele origin: germline.
Comment: This sequence change replaces aspartic acid, which is acidic and polar, with glycine, which is neutral and non-polar, at codon 60 of the ADA protein (p.Asp60Gly). This variant is present in population databases (rs760262095, gnomAD 0.004%). This variant has not been reported in the literature in individuals affected with ADA-related conditions. ClinVar contains an entry for this variant (Variation ID: 1308808). Advanced modeling of protein sequence and biophysical properties (such as structural, functional, and spatial information, amino acid conservation, physicochemical variation, residue mobility, and thermodynamic stability) performed at Invitae indicates that this missense variant is not expected to disrupt ADA protein function. Algorithms developed to predict the effect of sequence changes on RNA splicing suggest that this variant is not likely to affect RNA splicing. In summary, the available evidence is currently insufficient to determine the role of this variant in disease. Therefore, it has been classified as a Variant of Uncertain Significance.

GeneDx
Classification: Uncertain significance. Last evaluated: 2019-09-28. Review status: criteria provided, single submitter. Criteria: GeneDx Variant Classification Process June 2021. Collection method: clinical testing. Allele origin: germline. Affected: yes.
Comment: Not observed at a significant frequency in large population cohorts (Lek et al., 2016); In silico analysis, which includes protein predictors and evolutionary conservation, supports that this variant does not alter protein structure/function; Has not been previously published as pathogenic or benign to our knowledge